The following is an entry in ClinVar:

NM_002471.4(MYH6):c.4667A>G (p.Glu1556Gly)

Genes: MYH6 (myosin heavy chain 6; minus strand), LOC126861896 (BRD4-independent group 4 enhancer GRCh37_chr14:23854904-23856103; plus strand). Cytogenetic location: 14q11.2.
Variant type: single nucleotide variant.
Coding change: c.4667A>G on transcript NM_002471.4 (MANE Select); coding-DNA position 4667, A replaced by G.
Protein change: p.Glu1556Gly; replaces glutamic acid 1556 with glycine.
Molecular consequence: missense variant.
Genome position (GRCh38, 1-based): chr14:23,386,607, T>C on the plus strand (A>G on the coding strand, the complement: MYH6 is on the minus strand). VCF-style: chr14-23386607-T-C. GRCh37 (hg19) VCF-style: chr14-23855816-T-C.
Other names: short protein forms E1556G.
Identifiers: ClinVar variation 2002799 (VCV002002799.4), dbSNP rs2502144344, ClinGen allele CA388993286.

ClinVar aggregate classification (germline): Uncertain significance (1 of 4 stars; one submission).

Conditions:
Hypertrophic cardiomyopathy 14. Identifiers: MedGen C2750467, MONDO:0013197, OMIM 613251.

Submission:

Labcorp Genetics (formerly Invitae), Labcorp
Classification: Uncertain significance for Hypertrophic cardiomyopathy 14. Last evaluated: 2022-06-08. Review status: criteria provided, single submitter. Criteria: Invitae Variant Classification Sherloc (09022015). Collection method: clinical testing. Allele origin: germline.
Comment: In summary, the available evidence is currently insufficient to determine the role of this variant in disease. Therefore, it has been classified as a Variant of Uncertain Significance. Algorithms developed to predict the effect of missense changes on protein structure and function are either unavailable or do not agree on the potential impact of this missense change (SIFT: "Tolerated"; PolyPhen-2: "Probably Damaging"; Align-GVGD: "Class C0"). This variant has not been reported in the literature in individuals affected with MYH6-related conditions. This variant is not present in population databases (gnomAD no frequency). This sequence change replaces glutamic acid, which is acidic and polar, with glycine, which is neutral and non-polar, at codon 1556 of the MYH6 protein (p.Glu1556Gly).